The following is an entry in ClinVar:

NM_000368.5(TSC1):c.2347C>T (p.Gln783Ter)

Gene: TSC1 (TSC complex subunit 1; minus strand). Cytogenetic location: 9q34.13.
Variant type: single nucleotide variant.
Coding change: c.2347C>T on transcript NM_000368.5 (MANE Select); coding-DNA position 2347, C replaced by T.
Protein change: p.Gln783Ter; replaces glutamine 783 with a stop codon.
Molecular consequence: nonsense.
Genome position (GRCh38, 1-based): chr9:132,902,649, G>A on the plus strand (C>T on the coding strand, the complement: TSC1 is on the minus strand). VCF-style: chr9-132902649-G-A. GRCh37 (hg19) VCF-style: chr9-135778036-G-A.
Other names: c.2344C>T, p.Gln782Ter (NM_001162426.2); c.2194C>T, p.Gln732Ter (NM_001162427.2); c.1984C>T, p.Gln662Ter (NM_001362177.2); short protein forms Q783*, Q732*, Q662*, Q782*.
Identifiers: ClinVar variation 48942 (VCV000048942.9), dbSNP rs118203681, ClinGen allele CA006332.
Genomic context (GRCh38, chr9:132,902,649, plus strand): 5'-GTGCTGCAGTTTATACCTGTAATTCCTGGCTCTGGTTGTAGAATTCCTCTCGGTCATGCT[G>A]CAGCTGTCTGATCTGGCTGTGGAGCTTGGTTACCATAGTGTCACGCTGCTCCTGGAGCTG-3'

ClinVar aggregate classification (germline): Pathogenic. Review status: criteria provided, multiple submitters, no conflicts (2 of 4 stars). 4 submissions from 4 submitters: Pathogenic (2). 2 of the submissions do not count toward it. Last evaluated 2023-08-05.

Conditions:
Tuberous sclerosis syndrome (TSC). Also called: Tuberous Sclerosis Complex; Tuberous sclerosis. Identifiers: Orphanet 805, MedGen C0041341, MONDO:0001734.
Tuberous sclerosis 1 (TSC1). Identifiers: Orphanet 805, MedGen C1854465, MONDO:0008612, OMIM 191100.

Submissions (4):

Labcorp Genetics (formerly Invitae), Labcorp
Classification: Pathogenic for Tuberous sclerosis 1. Last evaluated: 2023-08-05. Review status: criteria provided, single submitter. Criteria: Invitae Variant Classification Sherloc (09022015). Collection method: clinical testing. Allele origin: germline.
Comment: ClinVar contains an entry for this variant (Variation ID: 48942). This sequence change creates a premature translational stop signal (p.Gln783*) in the TSC1 gene. It is expected to result in an absent or disrupted protein product. Loss-of-function variants in TSC1 are known to be pathogenic (PMID: 10227394, 17304050). This variant is not present in population databases (gnomAD no frequency). This premature translational stop signal has been observed in individual(s) with clinical features of tuberous sclerosis complex (PMID: 27859028). For these reasons, this variant has been classified as Pathogenic.

Institute of Human Genetics, University of Leipzig Medical Center
Classification: Pathogenic for Tuberous sclerosis 1. Last evaluated: 2019-04-01. Review status: criteria provided, single submitter. Criteria: ACMG Guidelines, 2015. Collection method: clinical testing. Allele origin: de novo. Affected: yes. Observed: 1 variant allele.
Comment: This variant was identified as de novo (maternity and paternity confirmed).

Division of Genomic Medicine, Department of Advanced Medicine, Medical Research Institute, Kanazawa Medical University
Classification: Pathogenic for Tuberous sclerosis 1. Last evaluated: 2020-06-09. Review status: no assertion criteria provided. Collection method: clinical testing. Allele origin: germline. Affected: yes. Observed: 2 variant alleles. Not counted in ClinVar's aggregate classification.

Tuberous sclerosis database (TSC1)
No classification provided. Condition: TSC. Review status: no classification provided. Criteria: Tuberous Sclerosis Database Assertion Criteria 2015. Collection method: curation. Allele origin: germline. Affected: yes. Not counted in ClinVar's aggregate classification.

Literature cited by the submitters: PubMed 10227394 (cited by Labcorp Genetics (formerly Invitae), Labcorp); PubMed 17304050 (cited by Labcorp Genetics (formerly Invitae), Labcorp); PubMed 27859028 (cited by Labcorp Genetics (formerly Invitae), Labcorp).